The following is an entry in ClinVar:

ClinVar aggregate classification (germline): Likely benign (1 of 4 stars; one submission).

Conditions:
Thyroid hormone resistance, generalized, autosomal dominant (GRTHD). Also called: HYPERTHYROXINEMIA, FAMILIAL EUTHYROID, SECONDARY TO PITUITARY AND PERIPHERAL RESISTANCE TO THYROID HORMONES. Identifiers: MedGen C2937288, MONDO:0008569, OMIM 188570.

Allele frequency attached by ClinVar (database versions not stated): gnomAD 0.00002 and 0.00008; TOPMed 0.00002; 1000 Genomes Project 0.00080; 1000 Genomes Project 30x 0.00094.

Submission:

Illumina Laboratory Services, Illumina
Classification: Likely benign for Thyroid hormone resistance, generalized, autosomal dominant. Last evaluated: 2018-01-13. Review status: criteria provided, single submitter. Criteria: ICSL Variant Classification Criteria 13 December 2019. Collection method: clinical testing. Allele origin: germline.
Comment: This variant was observed in the ICSL laboratory as part of a predisposition screen in an ostensibly healthy population. It had not been previously curated by ICSL or reported in the Human Gene Mutation Database (HGMD: prior to June 1st, 2018), and was therefore a candidate for classification through an automated scoring system. Utilizing variant allele frequency, disease prevalence and penetrance estimates, and inheritance mode, an automated score was calculated to assess if this variant is too frequent to cause the disease. Based on the score and internal cut-off values, a variant classified as likely benign is not then subjected to further curation. The score for this variant resulted in a classification of likely benign for this disease.

NM_001354712.2(THRB):c.*1861A>G

Gene: THRB (thyroid hormone receptor beta; minus strand). Cytogenetic location: 3p24.2.
Variant type: single nucleotide variant.
Coding change: c.*1861A>G on transcript NM_001354712.2 (MANE Select); 1861 bases downstream of the stop codon, A replaced by G.
Molecular consequence: 3 prime UTR variant.
Genome position (GRCh38, 1-based): chr3:24,121,023, T>C on the plus strand (A>G on the coding strand, the complement: THRB is on the minus strand). VCF-style: chr3-24121023-T-C. GRCh37 (hg19) VCF-style: chr3-24162514-T-C.
Other names: c.*1861A>G (NM_000461.5, NM_001128176.3, NM_001128177.2 and 14 more transcripts).
Identifiers: ClinVar variation 901190 (VCV000901190.4), dbSNP rs529916834, ClinGen allele CA71603565.